The following is an entry in ClinVar:

ClinVar aggregate classification (germline): Likely pathogenic (1 of 4 stars; one submission).

Conditions:
Marfan syndrome (MFS). Also called: MARFAN SYNDROME, TYPE I; Marfan syndrome type 1; Marfan's syndrome; Marfan syndrome, classic; FBN1-Related Marfan Syndrome. Identifiers: Orphanet 284963, Orphanet 558, MedGen C0024796, MONDO:0007947, OMIM 154700.
Familial thoracic aortic aneurysm and aortic dissection (TAAD). Also called: Thoracic aortic aneurysms and dissections. Identifiers: Orphanet 91387, MedGen C4707243, MONDO:0019625.

Submission:

Labcorp Genetics (formerly Invitae), Labcorp
Classification: Likely pathogenic for Marfan syndrome; Familial thoracic aortic aneurysm and aortic dissection. Last evaluated: 2021-11-24. Review status: criteria provided, single submitter. Criteria: Invitae Variant Classification Sherloc (09022015). Collection method: clinical testing. Allele origin: germline.
Comment: In summary, the currently available evidence indicates that the variant is pathogenic, but additional data are needed to prove that conclusively. Therefore, this variant has been classified as Likely Pathogenic. This variant affects a cysteine residue in the EGF-like, TGFBP or hybrid motif domains of FBN1. Cysteine residues are believed to be involved in intramolecular disulfide bridges and have been shown to be important for FBN1 protein structure (PMID: 16905551, 19349279). In addition, missense substitutions affecting cysteine residues within these domains are significantly overrepresented among patients with Marfan syndrome (PMID: 16571647, 17701892). Advanced modeling of protein sequence and biophysical properties (such as structural, functional, and spatial information, amino acid conservation, physicochemical variation, residue mobility, and thermodynamic stability) performed at Invitae indicates that this missense variant is expected to disrupt FBN1 protein function. This variant has not been reported in the literature in individuals affected with FBN1-related conditions. This variant is not present in population databases (gnomAD no frequency). This sequence change replaces cysteine, which is neutral and slightly polar, with tryptophan, which is neutral and slightly polar, at codon 763 of the FBN1 protein (p.Cys763Trp).

Literature cited by the submitters: PubMed 16905551; PubMed 19349279; PubMed 16571647; PubMed 17701892.

NM_000138.5(FBN1):c.2289C>G (p.Cys763Trp)

Gene: FBN1 (fibrillin 1; minus strand). Cytogenetic location: 15q21.1.
Variant type: single nucleotide variant.
Coding change: c.2289C>G on transcript NM_000138.5 (MANE Select); coding-DNA position 2289, C replaced by G.
Protein change: p.Cys763Trp; replaces cysteine 763 with tryptophan.
Molecular consequence: missense variant.
Genome position (GRCh38, 1-based): chr15:48,497,270, G>C on the plus strand (C>G on the coding strand, the complement: FBN1 is on the minus strand). VCF-style: chr15-48497270-G-C. GRCh37 (hg19) VCF-style: chr15-48789467-G-C.
Other names: short protein forms C763W.
Identifiers: ClinVar variation 1505807 (VCV001505807.6), dbSNP rs181311020, ClinGen allele CA392335582.